The following is an entry in ClinVar:

NM_206933.4(USH2A):c.14066T>C (p.Ile4689Thr)

Gene: USH2A (usherin; minus strand). Cytogenetic location: 1q41.
Variant type: single nucleotide variant.
Coding change: c.14066T>C on transcript NM_206933.4 (MANE Select); coding-DNA position 14066, T replaced by C.
Protein change: p.Ile4689Thr; replaces isoleucine 4689 with threonine.
Molecular consequence: missense variant.
Genome position (GRCh38, 1-based): chr1:215,671,039, A>G on the plus strand (T>C on the coding strand, the complement: USH2A is on the minus strand). VCF-style: chr1-215671039-A-G. GRCh37 (hg19) VCF-style: chr1-215844381-A-G.
Other names: short protein forms I4689T.
Identifiers: ClinVar variation 1496397 (VCV001496397.6), dbSNP rs2102661230, ClinGen allele CA344840319.

ClinVar aggregate classification (germline): Uncertain significance (1 of 4 stars; one submission).

Submission:

Labcorp Genetics (formerly Invitae), Labcorp
Classification: Uncertain significance. Last evaluated: 2025-04-16. Review status: criteria provided, single submitter. Criteria: Invitae Variant Classification Sherloc (09022015). Collection method: clinical testing. Allele origin: germline.
Comment: This sequence change replaces isoleucine, which is neutral and non-polar, with threonine, which is neutral and polar, at codon 4689 of the USH2A protein (p.Ile4689Thr). This variant is not present in population databases (gnomAD no frequency). This variant has not been reported in the literature in individuals affected with USH2A-related conditions. ClinVar contains an entry for this variant (Variation ID: 1496397). Invitae Evidence Modeling of protein sequence and biophysical properties (such as structural, functional, and spatial information, amino acid conservation, physicochemical variation, residue mobility, and thermodynamic stability) indicates that this missense variant is not expected to disrupt USH2A protein function with a negative predictive value of 95%. In summary, the available evidence is currently insufficient to determine the role of this variant in disease. Therefore, it has been classified as a Variant of Uncertain Significance.